The following is an entry in ClinVar:

NM_032119.4(ADGRV1):c.10372G>C (p.Ala3458Pro)

Gene: ADGRV1 (adhesion G protein-coupled receptor V1; plus strand). Cytogenetic location: 5q14.3.
Variant type: single nucleotide variant.
Coding change: c.10372G>C on transcript NM_032119.4 (MANE Select); coding-DNA position 10372, G replaced by C.
Protein change: p.Ala3458Pro; replaces alanine 3458 with proline.
Molecular consequence: missense variant. On other transcripts: non-coding transcript variant (1).
Genome position (GRCh38, 1-based): chr5:90,728,879, G>C. VCF-style: chr5-90728879-G-C. GRCh37 (hg19) VCF-style: chr5-90024696-G-C.
Other names: short protein forms A3458P.
Identifiers: ClinVar variation 3360272 (VCV003360272.1).

ClinVar aggregate classification (germline): Uncertain significance (1 of 4 stars; one submission).

Submission:

GeneDx
Classification: Uncertain significance. Last evaluated: 2023-06-27. Review status: criteria provided, single submitter. Criteria: GeneDx Variant Classification Process June 2021. Collection method: clinical testing. Allele origin: germline. Affected: yes.
Comment: Not observed at significant frequency in large population cohorts (gnomAD); In silico analysis supports that this missense variant does not alter protein structure/function; Has not been previously published as pathogenic or benign to our knowledge